The following is an entry in ClinVar:

ClinVar aggregate classification (germline): Conflicting classifications of pathogenicity. Review status: criteria provided, conflicting classifications (1 of 4 stars). 3 submissions from 3 submitters: Uncertain significance (1); Likely benign (1). 1 of the submissions does not count toward it. Last evaluated 2025-10-07.

Conditions:
Duchenne muscular dystrophy (DMD). Also called: Duchenne Muscular Dystrophy (DMD); MUSCULAR DYSTROPHY, PSEUDOHYPERTROPHIC PROGRESSIVE, DUCHENNE TYPE. Identifiers: Orphanet 98896, MedGen C0013264, MONDO:0010679, OMIM 310200.
Dystrophin deficiency.
Becker muscular dystrophy (BMD). Also called: MUSCULAR DYSTROPHY, PSEUDOHYPERTROPHIC PROGRESSIVE, BECKER TYPE; Becker Muscular Dystrophy (BMD). Identifiers: Orphanet 98895, MedGen C0917713, MONDO:0010311, OMIM 300376.
Cardiomyopathy (CMYO). Also called: Cardiomyopathies. Identifiers: Orphanet 167848, MedGen C0878544, MONDO:0004994, HP:0001638. Inheritance: Various modes of inheritance.
Cardiovascular phenotype. Identifiers: MedGen CN230736.

Allele frequency attached by ClinVar (database versions not stated): gnomAD exomes below 0.00001 and 0.00001.
gnomAD v4.1: 3 of 1,211,309 alleles (0.00025%); highest among the groups gnomAD compares: African/African-American, 0.0017%; no homozygotes.

Submissions (3):

Ambry Genetics
Classification: Likely benign for Cardiovascular phenotype. Last evaluated: 2025-10-07. Review status: criteria provided, single submitter. Criteria: Ambry Variant Classification Scheme 2023. Collection method: clinical testing. Allele origin: germline.

Labcorp Genetics (formerly Invitae), Labcorp
Classification: Uncertain significance for Duchenne muscular dystrophy. Last evaluated: 2024-07-01. Review status: criteria provided, single submitter. Criteria: Invitae Variant Classification Sherloc (09022015). Collection method: clinical testing. Allele origin: germline.
Comment: This sequence change replaces arginine, which is basic and polar, with cysteine, which is neutral and slightly polar, at codon 1930 of the DMD protein (p.Arg1930Cys). The frequency data for this variant in the population databases is considered unreliable, as metrics indicate poor data quality at this position in the gnomAD database. This variant has not been reported in the literature in individuals affected with DMD-related conditions. ClinVar contains an entry for this variant (Variation ID: 862666). Advanced modeling of protein sequence and biophysical properties (such as structural, functional, and spatial information, amino acid conservation, physicochemical variation, residue mobility, and thermodynamic stability) performed at Invitae indicates that this missense variant is not expected to disrupt DMD protein function with a negative predictive value of 95%. In summary, the available evidence is currently insufficient to determine the role of this variant in disease. Therefore, it has been classified as a Variant of Uncertain Significance.

Natera, Inc.
Classification: Uncertain significance for Becker muscular dystrophy; Cardiomyopathy; Duchenne muscular dystrophy; Dystrophin deficiency. Last evaluated: 2020-12-23. Review status: no assertion criteria provided. Collection method: clinical testing. Allele origin: germline. Not counted in ClinVar's aggregate classification.

NM_004006.3(DMD):c.5788C>T (p.Arg1930Cys)

Gene: DMD (dystrophin; minus strand). Cytogenetic location: Xp21.1.
Variant type: single nucleotide variant.
Coding change: c.5788C>T on transcript NM_004006.3 (MANE Select); coding-DNA position 5788, C replaced by T.
Protein change: p.Arg1930Cys; replaces arginine 1930 with cysteine.
Molecular consequence: missense variant.
Genome position (GRCh38, 1-based): chrX:32,342,234, G>A on the plus strand (C>T on the coding strand, the complement: DMD is on the minus strand). VCF-style: chrX-32342234-G-A. GRCh37 (hg19) VCF-style: chrX-32360351-G-A.
Other names: c.5764C>T, p.Arg1922Cys (NM_000109.4); c.5776C>T, p.Arg1926Cys (NM_004009.3); c.5419C>T, p.Arg1807Cys (NM_004010.3); c.1765C>T, p.Arg589Cys (NM_004011.4); c.1756C>T, p.Arg586Cys (NM_004012.4); short protein forms R1930C, R586C, R1926C, R589C, R1807C, R1922C.
Identifiers: ClinVar variation 862666 (VCV000862666.11), dbSNP rs1295144399, ClinGen allele CA412665183.